The following is an entry in ClinVar:

ClinVar aggregate classification (germline): Uncertain significance (0 of 4 stars; one submission).

Conditions:
NRP2-related disorder. Also called: NRP2-related condition.

Allele frequency attached by ClinVar (database versions not stated): gnomAD 0.00003; gnomAD exomes 0.00007.
gnomAD v4.1: 99 of 1,614,084 alleles (0.0061%); highest among the groups gnomAD compares: Non-Finnish European, 0.0081%; 1 homozygote.

Submission:

PreventionGenetics, part of Exact Sciences
Classification: Uncertain significance for NRP2-related condition. Last evaluated: 2024-08-05. Review status: no assertion criteria provided. Collection method: clinical testing. Allele origin: germline.
Comment: The NRP2 c.2509T>C variant is predicted to result in the amino acid substitution p.Trp837Arg. To our knowledge, this variant has not been reported in the literature. This variant is reported in 0.0031% of alleles in individuals of European (Non-Finnish) descent in gnomAD. At this time, the clinical significance of this variant is uncertain due to the absence of conclusive functional and genetic evidence.

NM_003872.3(NRP2):c.2494T>C (p.Trp832Arg)

Gene: NRP2 (neuropilin 2; plus strand). Cytogenetic location: 2q33.3.
Variant type: single nucleotide variant.
Coding change: c.2494T>C on transcript NM_003872.3 (MANE Select); coding-DNA position 2494, T replaced by C.
Protein change: p.Trp832Arg; replaces tryptophan 832 with arginine.
Molecular consequence: missense variant.
Genome position (GRCh38, 1-based): chr2:205,794,771, T>C. VCF-style: chr2-205794771-T-C. GRCh37 (hg19) VCF-style: chr2-206659495-T-C.
Other names: c.2509T>C, p.Trp837Arg (NM_201266.2); c.2443T>C, p.Trp815Arg (NM_201279.2); short protein forms W815R, W832R, W837R.
Identifiers: ClinVar variation 2636839 (VCV002636839.3), dbSNP rs773820457, ClinGen allele CA64399255.